The following is an entry in ClinVar:

ClinVar aggregate classification (germline): Uncertain significance. Review status: criteria provided, multiple submitters, no conflicts (2 of 4 stars). 3 submissions from 3 submitters: Uncertain significance (3). Last evaluated 2025-11-17.

Conditions:
Inborn genetic diseases. Identifiers: MedGen C0950123, MeSH D030342.
Hyperimmunoglobulin D with periodic fever (HIDS). Also called: Hyperimmunoglobulinemia D; HYPERIMMUNOGLOBULINEMIA D AND PERIODIC FEVER SYNDROME; Hyperimmunoglobulinemia D with periodic fever. Identifiers: Orphanet 343, MedGen C0398691, MONDO:0009849, OMIM 260920.
Mevalonic aciduria (MEVA). Identifiers: Orphanet 29, MedGen C1959626, MONDO:0012481, OMIM 610377.
Porokeratosis 3, disseminated superficial actinic type (POROK3). Also called: POROKERATOSIS, DISSEMINATED SUPERFICIAL ACTINIC, 1; POROKERATOSIS 3, MULTIPLE TYPES; POROKERATOSIS 3, MIBELLI TYPE. Identifiers: MedGen C1867981, MONDO:0008293, OMIM 175900.

Allele frequency attached by ClinVar (database versions not stated): gnomAD exomes below 0.00001; gnomAD 0.00001; TOPMed 0.00002.
gnomAD v4.1: 4 of 1,614,026 alleles (0.00025%); highest among the groups gnomAD compares: African/African-American, 0.004%; no homozygotes.

Submissions (3):

Ambry Genetics
Classification: Uncertain significance for Inborn genetic diseases. Last evaluated: 2025-11-17. Review status: criteria provided, single submitter. Criteria: Ambry Variant Classification Scheme 2023. Collection method: clinical testing. Allele origin: germline.

Fulgent Genetics
Classification: Uncertain significance for Porokeratosis 3, disseminated superficial actinic type; Hyperimmunoglobulin D with periodic fever; Mevalonic aciduria. Last evaluated: 2021-12-14. Review status: criteria provided, single submitter. Criteria: ACMG Guidelines, 2015. Collection method: clinical testing. Allele origin: unknown.

Labcorp Genetics (formerly Invitae), Labcorp
Classification: Uncertain significance for Mevalonic aciduria; Hyperimmunoglobulin D with periodic fever; Porokeratosis 3, disseminated superficial actinic type. Last evaluated: 2021-08-14. Review status: criteria provided, single submitter. Criteria: Invitae Variant Classification Sherloc (09022015). Collection method: clinical testing. Allele origin: germline.
Comment: This sequence change replaces aspartic acid with valine at codon 63 of the MVK protein (p.Asp63Val). The aspartic acid residue is weakly conserved and there is a large physicochemical difference between aspartic acid and valine. This variant is not present in population databases (ExAC no frequency). This variant has not been reported in the literature in individuals affected with MVK-related conditions. Advanced modeling of protein sequence and biophysical properties (such as structural, functional, and spatial information, amino acid conservation, physicochemical variation, residue mobility, and thermodynamic stability) performed at Invitae indicates that this missense variant is expected to disrupt MVK protein function. In summary, the available evidence is currently insufficient to determine the role of this variant in disease. Therefore, it has been classified as a Variant of Uncertain Significance.

NM_000431.4(MVK):c.188A>T (p.Asp63Val)

Gene: MVK (mevalonate kinase; plus strand). Cytogenetic location: 12q24.11.
Variant type: single nucleotide variant.
Coding change: c.188A>T on transcript NM_000431.4 (MANE Select); coding-DNA position 188, A replaced by T.
Protein change: p.Asp63Val; replaces aspartic acid 63 with valine.
Molecular consequence: missense variant.
Genome position (GRCh38, 1-based): chr12:109,576,107, A>T. VCF-style: chr12-109576107-A-T. GRCh37 (hg19) VCF-style: chr12-110013912-A-T.
Other names: c.188A>T (NM_000431.2); c.188A>T, p.Asp63Val (NM_001114185.3, NM_001301182.2); short protein forms D63V.
Identifiers: ClinVar variation 1469067 (VCV001469067.7), dbSNP rs1165875328, ClinGen allele CA386643774.